The following is an entry in ClinVar:

NM_000069.3(CACNA1S):c.1151-13C>G

Gene: CACNA1S (calcium voltage-gated channel subunit alpha1 S; minus strand). Cytogenetic location: 1q32.1.
Variant type: single nucleotide variant.
Coding change: c.1151-13C>G on transcript NM_000069.3 (MANE Select); 13 bases into the intron before coding-DNA position 1151, C replaced by G.
Molecular consequence: intron variant.
Genome position (GRCh38, 1-based): chr1:201,085,044, G>C on the plus strand (C>G on the coding strand, the complement: CACNA1S is on the minus strand). VCF-style: chr1-201085044-G-C. GRCh37 (hg19) VCF-style: chr1-201054172-G-C.
Identifiers: ClinVar variation 2065228 (VCV002065228.8), dbSNP rs200273802, ClinGen allele CA077989.

ClinVar aggregate classification (germline): Likely benign. Review status: criteria provided, multiple submitters, no conflicts (2 of 4 stars). 4 submissions from 4 submitters: Likely benign (4). Last evaluated 2025-08-18.

Conditions:
Malignant hyperthermia, susceptibility to, 5 (MHS5). Also called: CACNA1S-Related Malignant Hyperthermia Susceptibility. Identifiers: Orphanet 423, MedGen C1866077, MONDO:0011163, OMIM 601887.
Hypokalemic periodic paralysis, type 1. Also called: HypoPP; Hypokalemic Periodic Paralysis Type 1 (AD). Identifiers: Orphanet 681, MedGen C3714580, MONDO:0042979, OMIM 170400.

Allele frequency attached by ClinVar (database versions not stated): gnomAD 0.00002; TOPMed 0.00002; ESP Exome Variant Server 0.00008.
gnomAD v4.1: 44 of 1,601,576 alleles (0.0027%); highest among the groups gnomAD compares: Non-Finnish European, 0.00043%; no homozygotes.

Submissions (4):

Labcorp Genetics (formerly Invitae), Labcorp
Classification: Likely benign for Hypokalemic periodic paralysis, type 1; Malignant hyperthermia, susceptibility to, 5. Last evaluated: 2025-08-18. Review status: criteria provided, single submitter. Criteria: Invitae Variant Classification Sherloc (09022015). Collection method: clinical testing. Allele origin: germline.

Blueprint Genetics
Classification: Likely benign. Last evaluated: 2024-11-07. Review status: criteria provided, single submitter. Criteria: ACMG Guidelines, 2015. Collection method: clinical testing. Allele origin: germline.

All of Us Research Program, National Institutes of Health
Classification: Likely benign for Malignant hyperthermia, susceptibility to, 5. Last evaluated: 2024-02-05. Review status: criteria provided, single submitter. Criteria: ACMG Guidelines, 2015. Collection method: clinical testing. Allele origin: germline. Inheritance: Autosomal dominant inheritance. Observed: 13 variant alleles, 13 heterozygotes.
Comment: This study involves interpretation of variants in research participants for the purpose of population health screening. Participant phenotype was not available at the time of variant classification. Additional details can be found in publication PMID: 35346344, PMCID: PMC8962531

Color Diagnostics, LLC DBA Color Health
Classification: Likely benign for Malignant hyperthermia, susceptibility to, 5. Last evaluated: 2023-01-18. Review status: criteria provided, single submitter. Criteria: ACMG Guidelines, 2015. Collection method: clinical testing. Allele origin: germline.